The following is an entry in ClinVar:

NM_004447.6(EPS8):c.205-8A>G

Gene: EPS8 (EGFR pathway substrate 8, signaling adaptor; minus strand). Cytogenetic location: 12p12.3.
Variant type: single nucleotide variant.
Coding change: c.205-8A>G on transcript NM_004447.6 (MANE Select); 8 bases into the intron before coding-DNA position 205, A replaced by G.
Molecular consequence: intron variant.
Genome position (GRCh38, 1-based): chr12:15,669,833, T>C on the plus strand (A>G on the coding strand, the complement: EPS8 is on the minus strand). VCF-style: chr12-15669833-T-C. GRCh37 (hg19) VCF-style: chr12-15822767-T-C.
Other names: NC_000012.11:g.15822767T>C.
Identifiers: ClinVar variation 560888 (VCV000560888.9), dbSNP rs180899529, ClinGen allele CA6467932.

ClinVar aggregate classification (germline): Uncertain significance. Review status: criteria provided, multiple submitters, no conflicts (2 of 4 stars). 5 submissions from 5 submitters: Uncertain significance (3). 2 of the submissions do not count toward it. Last evaluated 2026-04-30.

Conditions:
Autosomal recessive nonsyndromic hearing loss 102. Also called: Deafness, autosomal recessive 102. Identifiers: Orphanet 90636, MedGen C3892050, MONDO:0014428, OMIM 615974.
Hearing loss, autosomal recessive. Also called: Nonsyndromic Hearing Loss, Recessive; Rare autosomal recessive non-syndromic sensorineural deafness type DFNB; Deafness, autosomal recessive; Autosomal recessive nonsyndromic deafness. Identifiers: Orphanet 90635, Orphanet 90636, MedGen C1846647, MONDO:0019588, OMIM 607197.
Deafness. Identifiers: MedGen C0011053.

Allele frequency attached by ClinVar (database versions not stated): TOPMed 0.00001; ExAC 0.00002; gnomAD 0.00002 and 0.00003; 1000 Genomes Project 0.00020; 1000 Genomes Project 30x 0.00031.
gnomAD v4.1: 29 of 1,575,852 alleles (0.0018%); highest among the groups gnomAD compares: Admixed American, 0.0097%; no homozygotes.

Submissions (6):

Laboratory of Molecular, Cellular and Translation Genetics in Otolaryngology/ Lim32-hcfmusp, University of Sao Paulo School of Medicine Clinics Hospital
Classification: Uncertain significance for Autosomal recessive nonsyndromic hearing loss 102. Last evaluated: 2026-04-30. Review status: criteria provided, single submitter. Criteria: ACMG Guidelines, 2015. Collection method: research. Allele origin: germline. Affected: yes.
Comment: NM_004447.6:c.205-8A>G. This variant has been classified as a variant of uncertain significance (VUS). It is rare in population databases (PM2_supporting), and in silico prediction tools support an effect on splicing (PP3). It has been previously reported in the homozygous state in individuals with hearing loss and classified as pathogenic (PMID: 30303587). Although both variants are currently classified as VUS, their presence in trans in a gene associated with autosomal recessive hearing loss suggests that they represent strong candidate variants for the proband’s phenotype. However, the available evidence remains insufficient to establish a definitive causal role as described in PMID: 42233699.

GeneDx
Classification: Uncertain significance. Last evaluated: 2025-04-29. Review status: criteria provided, single submitter. Criteria: GeneDx Variant Classification Process June 2021. Collection method: clinical testing. Allele origin: germline. Affected: yes.
Comment: Identified in a consanguineous family and reported to segregate with hearing loss in published literature (PMID: 30303587); In silico analysis supports a deleterious effect on splicing; This variant is associated with the following publications: (PMID: 30303587)

Revvity Omics, Revvity
Classification: Uncertain significance for Autosomal recessive nonsyndromic hearing loss 102. Last evaluated: 2021-08-20. Review status: criteria provided, single submitter. Criteria: ACMG Guidelines, 2015. Collection method: clinical testing. Allele origin: germline.

Center for Statistical Genetics, Columbia University
Classification: Pathogenic for Deafness. Last evaluated: 2018-09-10. Review status: no assertion criteria provided. Collection method: research. Allele origin: inherited. Affected: yes. Not counted in ClinVar's aggregate classification.
Comment: Autosomal recessive

Dr. Peter K. Rogan Lab, Western University
No classification provided (evidence only). Condition: Ovarian serous cystadenocarcinoma. Review status: no classification provided. Collection method: in vitro. Allele origin: not applicable. Functional consequence: retained intron. Not counted in ClinVar's aggregate classification.

University of Washington Center for Mendelian Genomics, University of Washington
Classification: Likely pathogenic for non-syndromic autosomal recessive hearing loss. Review status: no assertion criteria provided. Collection method: research. Allele origin: inherited. Affected: yes. Not counted in ClinVar's aggregate classification.

Literature cited by the submitters: PubMed 30303587 (cited by Laboratory of Molecular, Cellular and Translation Genetics in Otolaryngology/ Lim32-hcfmusp, University of Sao Paulo School of Medicine Clinics Hospital and University of Washington Center for Mendelian Genomics, University of Washington); PubMed 42233699 (cited by Laboratory of Molecular, Cellular and Translation Genetics in Otolaryngology/ Lim32-hcfmusp, University of Sao Paulo School of Medicine Clinics Hospital).